The following is an entry in ClinVar:

ClinVar aggregate classification (germline): Likely pathogenic. Review status: criteria provided, single submitter (1 of 4 stars). 2 submissions from 2 submitters: Likely pathogenic (1). 1 of the submissions does not count toward it. Last evaluated 2023-07-22.

Conditions:
Pachyonychia congenita 3 (PC3). Also called: KRT6A-Related Pachyonychia Congenita; PC-K6a. Identifiers: Orphanet 2309, MedGen C3714948, MONDO:0014324, OMIM 615726.

Submissions (2):

Neuberg Centre For Genomic Medicine, NCGM
Classification: Likely pathogenic for Pachyonychia congenita 3. Last evaluated: 2023-07-22. Review status: criteria provided, single submitter. Criteria: ACMG Guidelines, 2015. Collection method: clinical testing. Allele origin: germline. Inheritance: Autosomal dominant inheritance. Affected: yes.
Comment: The observed invariant splice acceptor c.1460-2A>C in KRT6A gene has been previously reported in heterozygote state in a family affected with Palmoplantar Keratoderma Du ZF, et al.,2022. The c.1460-2A>C variant is absent in gnomAD exomes. This variant has been submitted to ClinVar database as Pathogenic. The SpliceAI predicts a score 0.92 for this variant. This variant is predicted to cause loss of normal protein function through protein truncation. Loss of function variants have been previously reported to be disease causing. For these reasons, this variant has been classified as likely pathogenic.

OMIM
Classification: Pathogenic for PACHYONYCHIA CONGENITA 3. Last evaluated: 2012-07-01. Review status: no assertion criteria provided. Collection method: literature only. Allele origin: germline. Not counted in ClinVar's aggregate classification.

Literature cited by the submitters: PubMed 22668561 (cited by OMIM).

NM_005554.4(KRT6A):c.1460-2A>C

Gene: KRT6A (keratin 6A; minus strand). Cytogenetic location: 12q13.13.
Variant type: single nucleotide variant.
Coding change: c.1460-2A>C on transcript NM_005554.4 (MANE Select); the canonical splice acceptor site of the intron before coding-DNA position 1460, A replaced by C.
Molecular consequence: splice acceptor variant.
Genome position (GRCh38, 1-based): chr12:52,487,957, T>G on the plus strand (A>C on the coding strand, the complement: KRT6A is on the minus strand). VCF-style: chr12-52487957-T-G. GRCh37 (hg19) VCF-style: chr12-52881741-T-G.
Other names: IVS8AS, A-C, -2.
Identifiers: ClinVar variation 156022 (VCV000156022.2), dbSNP rs113369052, ClinGen allele CA170747.